The following is an entry in ClinVar:

NM_033409.4(SLC52A3):c.568-16_568-15insCTGATTGAC

Gene: SLC52A3 (solute carrier family 52 member 3; minus strand). Cytogenetic location: 20p13.
Variant type: Insertion.
Coding change: c.568-16_568-15insCTGATTGAC on transcript NM_033409.4 (MANE Select); 16 bases into the intron before coding-DNA position 568 through 15 bases into the intron before coding-DNA position 568, CTGATTGAC inserted.
Molecular consequence: intron variant.
Genome position: GRCh38 VCF-style: chr20-764018-A-ACAGGTCAAT. GRCh37 (hg19) VCF-style: chr20-744662-A-ACAGGTCAAT.
Other names: p.?; c.568-16_568-15insCTGATTGAC (NM_001370085.1, NM_001370086.1); c.568-16_568-15insATTGACCTG (NM_033409.4).
Identifiers: ClinVar variation 262235 (VCV000262235.20), dbSNP rs3833341, ClinGen allele CA9724728.

ClinVar aggregate classification (germline): Benign. Review status: criteria provided, multiple submitters, no conflicts (2 of 4 stars). 10 submissions from 10 submitters: Benign (6). 4 of the submissions do not count toward it. Last evaluated 2026-02-04.

Conditions:
Brown-Vialetto-van Laere syndrome 1. Also called: BULBAR PALSY, PROGRESSIVE, WITH SENSORINEURAL DEAFNESS; PONTOBULBAR PALSY WITH DEAFNESS; BROWN-VIALETTO-VAN LAERE SYNDROME 1, MILD. Identifiers: Orphanet 572550, Orphanet 97229, MedGen C0796274, MONDO:0024537, OMIM 211530.

Submissions (10):

Labcorp Genetics (formerly Invitae), Labcorp
Classification: Benign for Brown-Vialetto-van Laere syndrome 1. Last evaluated: 2026-02-04. Review status: criteria provided, single submitter. Criteria: Invitae Variant Classification Sherloc (09022015). Collection method: clinical testing. Allele origin: germline.

Dasa
Classification: Benign. Last evaluated: 2025-12-14. Review status: criteria provided, single submitter. Criteria: DASA Assertion Criteria. Collection method: clinical testing. Allele origin: germline.
Comment: NM_033409.4(SLC52A3):c.568-16_568-15insATTGACCTG is an intronic variant. Population frequency is inconsistent with a disease-causing role for this variant, observations in unaffected individuals support a benign interpretation, and the variant context is inconsistent with a known disease-causing mechanism. Therefore, based on the currently available evidence, this variant is classified as benign.

Blueprint Genetics
Classification: Benign. Last evaluated: 2024-11-28. Review status: criteria provided, single submitter. Criteria: ACMG Guidelines, 2015. Collection method: clinical testing. Allele origin: germline.

Mayo Clinic Laboratories, Mayo Clinic
Classification: Benign. Last evaluated: 2022-04-26. Review status: criteria provided, single submitter. Criteria: ACMG Guidelines, 2015. Collection method: clinical testing. Allele origin: germline. Observed: 67 variant alleles.

GeneDx
Classification: Benign. Last evaluated: 2018-07-03. Review status: criteria provided, single submitter. Criteria: GeneDx Variant Classification Process June 2021. Collection method: clinical testing. Allele origin: germline. Affected: yes.

PreventionGenetics, part of Exact Sciences
Classification: Benign. Review status: criteria provided, single submitter. Criteria: ACMG Guidelines, 2015. Collection method: clinical testing. Allele origin: germline.

GeneReviews
Classification: Pathogenic for Brown-Vialetto-Van laere syndrome. Last evaluated: 2015-03-17. Review status: no assertion criteria provided. Collection method: literature only. Allele origin: germline. Affected: yes. Not counted in ClinVar's aggregate classification.

Clinical Genetics, Academic Medical Center
Classification: Benign. Review status: no assertion criteria provided. Collection method: clinical testing. Allele origin: germline. Affected: yes. Study: VKGL Data-share Consensus. Not counted in ClinVar's aggregate classification.

Diagnostic Laboratory, Department of Genetics, University Medical Center Groningen
Classification: Benign. Review status: no assertion criteria provided. Collection method: clinical testing. Allele origin: germline. Affected: yes. Study: VKGL Data-share Consensus. Not counted in ClinVar's aggregate classification.

Genome Diagnostics Laboratory, University Medical Center Utrecht
Classification: Benign. Review status: no assertion criteria provided. Collection method: clinical testing. Allele origin: germline. Affected: yes. Study: VKGL Data-share Consensus. Not counted in ClinVar's aggregate classification.

Literature cited by the submitters: PubMed 22824638 (cited by GeneReviews).